The following is an entry in ClinVar:

NM_002397.5(MEF2C):c.745A>C (p.Asn249His)

Gene: MEF2C (myocyte enhancer factor 2C; minus strand). Cytogenetic location: 5q14.3.
Variant type: single nucleotide variant.
Coding change: c.745A>C on transcript NM_002397.5 (MANE Select); coding-DNA position 745, A replaced by C.
Protein change: p.Asn249His; replaces asparagine 249 with histidine.
Molecular consequence: missense variant.
Genome position (GRCh38, 1-based): chr5:88,731,794, T>G on the plus strand (A>C on the coding strand, the complement: MEF2C is on the minus strand). VCF-style: chr5-88731794-T-G. GRCh37 (hg19) VCF-style: chr5-88027611-T-G.
Other names: c.739A>C, p.Asn247His (NM_001131005.2, NM_001364343.2, NM_001364352.2); c.799A>C, p.Asn267His (NM_001193347.1, NM_001364338.2); c.601A>C, p.Asn201His (NM_001193348.1, NM_001193349.3, NM_001364332.2 and 3 more transcripts); c.745A>C, p.Asn249His (NM_001193350.2, NM_001308002.3, NM_001363581.2 and 18 more transcripts); c.367A>C, p.Asn123His (NM_001364353.2, NM_001364356.2); c.319A>C, p.Asn107His (NM_001364357.2); short protein forms N107H, N123H, N201H, N247H, N249H, N267H.
Identifiers: ClinVar variation 3253501 (VCV003253501.1), dbSNP rs2547082664.

ClinVar aggregate classification (germline): Uncertain significance (1 of 4 stars; one submission).

Submission:

GeneDx
Classification: Uncertain significance. Last evaluated: 2024-02-14. Review status: criteria provided, single submitter. Criteria: GeneDx Variant Classification Process June 2021. Collection method: clinical testing. Allele origin: germline. Affected: yes.
Comment: Not observed at significant frequency in large population cohorts (gnomAD); In silico analysis supports that this missense variant does not alter protein structure/function; Has not been previously published as pathogenic or benign to our knowledge